The following is an entry in ClinVar:

ClinVar aggregate classification (germline): Uncertain significance (1 of 4 stars; one submission).

gnomAD v4.1: 12 of 1,613,002 alleles (0.00074%); highest among the groups gnomAD compares: African/African-American, 0.0027%; no homozygotes.

Submission:

Labcorp Genetics (formerly Invitae), Labcorp
Classification: Uncertain significance. Last evaluated: 2025-06-12. Review status: criteria provided, single submitter. Criteria: Invitae Variant Classification Sherloc (09022015). Collection method: clinical testing. Allele origin: germline.
Comment: This sequence change replaces arginine, which is basic and polar, with cysteine, which is neutral and slightly polar, at codon 2623 of the HMCN1 protein (p.Arg2623Cys). This variant is present in population databases (rs564245563, gnomAD 0.003%). This variant has not been reported in the literature in individuals affected with HMCN1-related conditions. ClinVar contains an entry for this variant (Variation ID: 3612852). An algorithm developed to predict the effect of missense changes on protein structure and function (PolyPhen-2) suggests that this variant is likely to be disruptive. Algorithms developed to predict the effect of sequence changes on RNA splicing suggest that this variant may disrupt the consensus splice site. In summary, the available evidence is currently insufficient to determine the role of this variant in disease. Therefore, it has been classified as a Variant of Uncertain Significance.

NM_031935.3(HMCN1):c.7867C>T (p.Arg2623Cys)

Gene: HMCN1 (hemicentin 1; plus strand). Cytogenetic location: 1q31.1.
Variant type: single nucleotide variant.
Coding change: c.7867C>T on transcript NM_031935.3 (MANE Select); coding-DNA position 7867, C replaced by T.
Protein change: p.Arg2623Cys; replaces arginine 2623 with cysteine.
Molecular consequence: missense variant.
Genome position (GRCh38, 1-based): chr1:186,067,995, C>T. VCF-style: chr1-186067995-C-T. GRCh37 (hg19) VCF-style: chr1-186037127-C-T.
Other names: short protein forms R2623C.
Identifiers: ClinVar variation 3612852 (VCV003612852.2).